The following is an entry in ClinVar:

NM_002880.4(RAF1):c.1668+19G>T

Gene: RAF1 (Raf-1 proto-oncogene, serine/threonine kinase; minus strand). Cytogenetic location: 3p25.2.
Variant type: single nucleotide variant.
Coding change: c.1668+19G>T on transcript NM_002880.4 (MANE Select); 19 bases into the intron after coding-DNA position 1668, G replaced by T.
Molecular consequence: intron variant.
Genome position (GRCh38, 1-based): chr3:12,585,103, C>A on the plus strand (G>T on the coding strand, the complement: RAF1 is on the minus strand). VCF-style: chr3-12585103-C-A. GRCh37 (hg19) VCF-style: chr3-12626602-C-A.
Other names: c.1326+19G>T (NM_001354695.3); c.1425+19G>T (NM_001354692.3, NM_001354691.3); c.1485+19G>T (NM_001354694.3); c.1569+19G>T (NM_001354693.3); c.1728+19G>T (NM_001354689.3); c.1668+19G>T (NM_001354690.3).
Identifiers: ClinVar variation 138881 (VCV000138881.20), dbSNP rs5746245, ClinGen allele CA293045.

ClinVar aggregate classification (germline): Benign/Likely benign. Review status: criteria provided, multiple submitters, no conflicts (2 of 4 stars). 6 submissions from 6 submitters: Benign (3); Likely benign (3). Last evaluated 2026-01-31.

Conditions:
RASopathy. Also called: rasopathies; Noonan spectrum disorder. Identifiers: Orphanet 536391, MedGen C5555857, MONDO:0021060.

Allele frequency attached by ClinVar (database versions not stated): 1000 Genomes Project 0.00040; TOPMed 0.00045; 1000 Genomes Project 30x 0.00031.
gnomAD v4.1: 428 of 1,614,084 alleles (0.027%); highest among the groups gnomAD compares: East Asian, 0.45%; 1 homozygote.

Submissions (6):

Labcorp Genetics (formerly Invitae), Labcorp
Classification: Benign for RASopathy. Last evaluated: 2026-01-31. Review status: criteria provided, single submitter. Criteria: Invitae Variant Classification Sherloc (09022015). Collection method: clinical testing. Allele origin: germline.

Blueprint Genetics
Classification: Likely benign. Last evaluated: 2024-07-17. Review status: criteria provided, single submitter. Criteria: ACMG Guidelines, 2015. Collection method: clinical testing. Allele origin: germline.

Women's Health and Genetics/Laboratory Corporation of America, LabCorp
Classification: Benign. Last evaluated: 2020-03-02. Review status: criteria provided, single submitter. Criteria: LabCorp Variant Classification Summary - May 2015. Collection method: clinical testing. Allele origin: germline.
Comment: Variant summary: RAF1 c.1668+19G>T alters a non-conserved nucleotide located close to a canonical splice site and therefore could affect mRNA splicing, leading to a significantly altered protein sequence. 4/4 computational tools predict no significant impact on normal splicing. However, these predictions have yet to be confirmed by functional studies. The variant allele was found at a frequency of 0.00079 in 251214 control chromosomes, predominantly at a frequency of 0.0041 within the Latino subpopulation in the gnomAD database. The observed variant frequency within Latino control individuals in the gnomAD database is approximately 164 fold of the estimated maximal expected allele frequency for a pathogenic variant in RAF1 causing Noonan Syndrome and Related Conditions phenotype (2.5e-05), strongly suggesting that the variant is a benign polymorphism found primarily in populations of Latino origin. c.1668+19G>T has been reported in the literature in individuals affected with non-syndromic autism but also observed in control group (Kelleher_2012). This report does not provide unequivocal conclusions about association of the variant with Noonan Syndrome and Related Conditions. To our knowledge, no experimental evidence demonstrating an impact on protein function has been reported. No clinical diagnostic laboratories have submitted clinical-significance assessments for this variant to ClinVar after 2014. Based on the evidence outlined above, the variant was classified as benign.

ARUP Laboratories, Molecular Genetics and Genomics, ARUP Laboratories
Classification: Likely benign. Last evaluated: 2020-01-21. Review status: criteria provided, single submitter. Criteria: ARUP Molecular Germline Variant Investigation Process. Collection method: clinical testing. Allele origin: germline.

GeneDx
Classification: Benign. Last evaluated: 2014-01-16. Review status: criteria provided, single submitter. Criteria: GeneDx Variant Classification (06012015). Collection method: clinical testing. Allele origin: germline. Affected: yes.
Comment: This variant is considered likely benign or benign based on one or more of the following criteria: it is a conservative change, it occurs at a poorly conserved position in the protein, it is predicted to be benign by multiple in silico algorithms, and/or has population frequency not consistent with disease.

Breakthrough Genomics
Classification: Likely benign. Review status: criteria provided, single submitter. Criteria: ACMG Guidelines, 2015. Collection method: not provided. Allele origin: germline. Inheritance: Autosomal dominant inheritance. Affected: yes.

Literature cited by the submitters: PubMed 22558107 (cited by Women's Health and Genetics/Laboratory Corporation of America, LabCorp).